The following is an entry in ClinVar:

NM_000444.6(PHEX):c.1105A>T (p.Arg369Ter)

Gene: PHEX (phosphate regulating endopeptidase X-linked; plus strand). Cytogenetic location: Xp22.11.
Variant type: single nucleotide variant.
Coding change: c.1105A>T on transcript NM_000444.6 (MANE Select); coding-DNA position 1105, A replaced by T.
Protein change: p.Arg369Ter; replaces arginine 369 with a stop codon.
Molecular consequence: nonsense.
Genome position (GRCh38, 1-based): chrX:22,111,492, A>T. VCF-style: chrX-22111492-A-T. GRCh37 (hg19) VCF-style: chrX-22129610-A-T.
Other names: c.1105A>T, p.Arg369Ter (NM_001282754.2); short protein forms R369*.
Identifiers: ClinVar variation 840089 (VCV000840089.10), dbSNP rs1930963832, ClinGen allele CA412573129.
Genomic context (GRCh38, chrX:22,111,492, plus strand): 5'-AAATACAATAAATGGGCATCTCTCTCTGTTAACAGGACCATTGCCAACTATTTGGTGTGG[A>T]GAATGGTTTATTCCAGAATTCCAAACCTTAGCAGGCGCTTTCAGTATAGATGGCTGGAAT-3'

ClinVar aggregate classification (germline): Pathogenic. Review status: criteria provided, multiple submitters, no conflicts (2 of 4 stars). 2 submissions from 2 submitters: Pathogenic (2). Last evaluated 2023-12-21.

Conditions:
PHEX-related disorder. Also called: PHEX-related condition.

Submissions (2):

Labcorp Genetics (formerly Invitae), Labcorp
Classification: Pathogenic. Last evaluated: 2023-12-21. Review status: criteria provided, single submitter. Criteria: Invitae Variant Classification Sherloc (09022015). Collection method: clinical testing. Allele origin: germline.
Comment: This sequence change creates a premature translational stop signal (p.Arg369*) in the PHEX gene. It is expected to result in an absent or disrupted protein product. Loss-of-function variants in PHEX are known to be pathogenic (PMID: 9097956, 9106524, 19219621). This variant is not present in population databases (gnomAD no frequency). This premature translational stop signal has been observed in individual(s) with hypophosphatemic rickets (PMID: 21902834, 23079138). In at least one individual the variant was observed to be de novo. ClinVar contains an entry for this variant (Variation ID: 840089). For these reasons, this variant has been classified as Pathogenic.

PreventionGenetics, part of Exact Sciences
Classification: Pathogenic for PHEX-related condition. Last evaluated: 2023-06-07. Review status: criteria provided, single submitter. Criteria: ACMG Guidelines, 2015. Collection method: clinical testing. Allele origin: germline.
Comment: The PHEX c.1105A>T variant is predicted to result in premature protein termination (p.Arg369*). This variant was reported in an individual with hypophosphatemic rickets (Morey et al 2011. PubMed ID: 21902834). This variant has not been reported in a large population database, indicating this variant is rare. Nonsense variants in PHEX are expected to be pathogenic. This variant is interpreted as pathogenic.

Literature cited by the submitters: PubMed 9097956 (cited by Labcorp Genetics (formerly Invitae), Labcorp); PubMed 9106524 (cited by Labcorp Genetics (formerly Invitae), Labcorp); PubMed 19219621 (cited by Labcorp Genetics (formerly Invitae), Labcorp); PubMed 21902834 (cited by Labcorp Genetics (formerly Invitae), Labcorp); PubMed 23079138 (cited by Labcorp Genetics (formerly Invitae), Labcorp).